The following is an entry in ClinVar:

NM_001039591.3(USP9X):c.1892C>T (p.Ala631Val)

Gene: USP9X (ubiquitin specific peptidase 9 X-linked; plus strand). Cytogenetic location: Xp11.4.
Variant type: single nucleotide variant.
Coding change: c.1892C>T on transcript NM_001039591.3 (MANE Select); coding-DNA position 1892, C replaced by T.
Protein change: p.Ala631Val; replaces alanine 631 with valine.
Molecular consequence: missense variant.
Genome position (GRCh38, 1-based): chrX:41,153,076, C>T. VCF-style: chrX-41153076-C-T. GRCh37 (hg19) VCF-style: chrX-41012329-C-T.
Other names: c.1892C>T, p.Ala631Val (NM_001039590.3); short protein forms A631V.
Identifiers: ClinVar variation 1698008 (VCV001698008.2), dbSNP rs2147080874, ClinGen allele CA412776852.

ClinVar aggregate classification (germline): Uncertain significance (1 of 4 stars; one submission).

Submission:

GeneDx
Classification: Uncertain significance. Last evaluated: 2022-01-24. Review status: criteria provided, single submitter. Criteria: GeneDx Variant Classification Process June 2021. Collection method: clinical testing. Allele origin: germline. Affected: yes.
Comment: Has not been previously published as pathogenic or benign to our knowledge; Not observed at significant frequency in large population cohorts (gnomAD); In silico analysis supports that this missense variant does not alter protein structure/function